The following is an entry in ClinVar:

NM_000878.5(IL2RB):c.703+5T>G

Gene: IL2RB (interleukin 2 receptor subunit beta; minus strand). Cytogenetic location: 22q12.3.
Variant type: single nucleotide variant.
Coding change: c.703+5T>G on transcript NM_000878.5 (MANE Select); 5 bases into the intron after coding-DNA position 703, T replaced by G.
Molecular consequence: intron variant.
Genome position (GRCh38, 1-based): chr22:37,136,223, A>C on the plus strand (T>G on the coding strand, the complement: IL2RB is on the minus strand). VCF-style: chr22-37136223-A-C. GRCh37 (hg19) VCF-style: chr22-37532263-A-C.
Other names: c.703+5T>G (NM_001346222.1, NM_001346223.2).
Identifiers: ClinVar variation 1396218 (VCV001396218.6), dbSNP rs2146234938, ClinGen allele CA2573158129.
Genomic context (GRCh38, chr22:37,136,223, plus strand): 5'-GCAGCTCCTCCTCCAGCCGCCCCCTCCTGCCTGAGCCCCCTCTCACCCTTGCCGCCCACC[A>C]GTACCTGCAGGCTTTGTCCTGAAGGCCAGGGGCTGGCTCCAGGGGCTCCAGGTCGTGAAC-3'

ClinVar aggregate classification (germline): Uncertain significance (1 of 4 stars; one submission).

Submission:

Labcorp Genetics (formerly Invitae), Labcorp
Classification: Uncertain significance. Last evaluated: 2021-12-03. Review status: criteria provided, single submitter. Criteria: Invitae Variant Classification Sherloc (09022015). Collection method: clinical testing. Allele origin: germline.
Comment: Variants that disrupt the consensus splice site are a relatively common cause of aberrant splicing (PMID: 17576681, 9536098). Algorithms developed to predict the effect of sequence changes on RNA splicing suggest that this variant may create or strengthen a splice site. In summary, the available evidence is currently insufficient to determine the role of this variant in disease. Therefore, it has been classified as a Variant of Uncertain Significance. This variant has not been reported in the literature in individuals affected with IL2RB-related conditions. This variant is not present in population databases (gnomAD no frequency). This sequence change falls in intron 7 of the IL2RB gene. It does not directly change the encoded amino acid sequence of the IL2RB protein. It affects a nucleotide within the consensus splice site.

Literature cited by the submitters: PubMed 17576681; PubMed 9536098.